The following is an entry in ClinVar:

NM_004655.4(AXIN2):c.1301A>G (p.Asp434Gly)

Gene: AXIN2 (axin 2; minus strand). Cytogenetic location: 17q24.1.
Variant type: single nucleotide variant.
Coding change: c.1301A>G on transcript NM_004655.4 (MANE Select); coding-DNA position 1301, A replaced by G.
Protein change: p.Asp434Gly; replaces aspartic acid 434 with glycine.
Molecular consequence: missense variant.
Genome position (GRCh38, 1-based): chr17:65,537,735, T>C on the plus strand (A>G on the coding strand, the complement: AXIN2 is on the minus strand). VCF-style: chr17-65537735-T-C. GRCh37 (hg19) VCF-style: chr17-63533853-T-C.
Other names: c.1301A>G, p.Asp434Gly (NM_001363813.1); short protein forms D434G.
Identifiers: ClinVar variation 1311507 (VCV001311507.2), dbSNP rs1598099503, ClinGen allele CA400677782.

ClinVar aggregate classification (germline): Uncertain significance (1 of 4 stars; one submission).

Submission:

GeneDx
Classification: Uncertain significance. Last evaluated: 2019-12-18. Review status: criteria provided, single submitter. Criteria: GeneDx Variant Classification Process June 2021. Collection method: clinical testing. Allele origin: germline. Affected: yes.
Comment: Has not been previously published as pathogenic or benign to our knowledge; Not observed in large population cohorts (Lek 2016); In silico analysis, which includes protein predictors and evolutionary conservation, supports a deleterious effect